The following is an entry in ClinVar:

ClinVar aggregate classification (germline): Likely benign. Review status: criteria provided, multiple submitters, no conflicts (2 of 4 stars). 2 submissions from 2 submitters: Likely benign (2). Last evaluated 2024-11-04.

Conditions:
Multiple endocrine neoplasia, type 1 (MEN1). Also called: MEN I; WERMER SYNDROME; Endocrine adenomatosis multiple; MEN 1; MEA I. Identifiers: Orphanet 652, MedGen C0025267, MeSH D018761, MONDO:0007540, OMIM 131100.

Submissions (2):

Myriad Genetics, Inc.
Classification: Likely benign for Multiple endocrine neoplasia, type 1. Last evaluated: 2024-11-04. Review status: criteria provided, single submitter. Criteria: Myriad Autosomal Dominant, Autosomal Recessive and X-Linked Classification Criteria (2023). Collection method: clinical testing. Allele origin: unknown.
Comment: This variant is considered likely benign. This variant is intronic and is not expected to impact mRNA splicing.

Labcorp Genetics (formerly Invitae), Labcorp
Classification: Likely benign for Multiple endocrine neoplasia, type 1. Last evaluated: 2023-04-17. Review status: criteria provided, single submitter. Criteria: Invitae Variant Classification Sherloc (09022015). Collection method: clinical testing. Allele origin: germline.

NM_001370259.2(MEN1):c.1050-10G>C

Gene: MEN1 (menin 1; minus strand). Cytogenetic location: 11q13.1.
Variant type: single nucleotide variant.
Coding change: c.1050-10G>C on transcript NM_001370259.2 (MANE Select); 10 bases into the intron before coding-DNA position 1050, G replaced by C.
Molecular consequence: intron variant.
Genome position (GRCh38, 1-based): chr11:64,805,780, C>G on the plus strand (G>C on the coding strand, the complement: MEN1 is on the minus strand). VCF-style: chr11-64805780-C-G. GRCh37 (hg19) VCF-style: chr11-64573252-C-G.
Other names: c.1065-10G>C (NM_130804.3, NM_130803.3, NM_000244.4 and 4 more transcripts); c.945-10G>C (NM_001407148.1, NM_001407149.1, NM_001370263.2 and 1 more transcripts); c.1050-10G>C (NM_130799.3, NM_001370260.2, NM_001407152.1 and 3 more transcripts); c.1176-10G>C (NM_001407144.1, NM_001370251.2, NM_001407142.1 and 1 more transcripts); c.1071-10G>C (NM_001407151.1); c.1191-10G>C (NM_001407150.1).
Identifiers: ClinVar variation 3019558 (VCV003019558.4), dbSNP rs2497161819, ClinGen allele CA2740093057.
Genomic context (GRCh38, chr11:64,805,780, plus strand): 5'-ACTTCAAAGAACTCCTTGTAGATCTCCTCGTCTTCCCGGCAGTAGTTGTAGCTGTGAGAG[C>G]AGTGGGGTCTCTGTAGGGTCTGAAGGGGTCTCACCATCGGGGGTAGCCCCAGGGACCTGG-3'